The following is an entry in ClinVar:

NM_006361.6(HOXB13):c.203G>A (p.Gly68Glu)

Gene: HOXB13 (homeobox B13; minus strand). Cytogenetic location: 17q21.32.
Variant type: single nucleotide variant.
Coding change: c.203G>A on transcript NM_006361.6 (MANE Select); coding-DNA position 203, G replaced by A.
Protein change: p.Gly68Glu; replaces glycine 68 with glutamic acid.
Molecular consequence: missense variant.
Genome position (GRCh38, 1-based): chr17:48,728,391, C>T on the plus strand (G>A on the coding strand, the complement: HOXB13 is on the minus strand). VCF-style: chr17-48728391-C-T. GRCh37 (hg19) VCF-style: chr17-46805753-C-T.
Other names: short protein forms G68E.
Identifiers: ClinVar variation 1928216 (VCV001928216.6), dbSNP rs2143073910, ClinGen allele CA400107928.

ClinVar aggregate classification (germline): Uncertain significance. Review status: criteria provided, multiple submitters, no conflicts (2 of 4 stars). 2 submissions from 2 submitters: Uncertain significance (2). Last evaluated 2024-10-29.

Conditions:
Hereditary cancer-predisposing syndrome. Also called: Hereditary Cancer Syndrome; Hereditary neoplastic syndrome; Neoplastic Syndromes, Hereditary; Tumor predisposition. Identifiers: Orphanet 140162, MedGen C0027672, MeSH D009386, MONDO:0015356.

Submissions (2):

Labcorp Genetics (formerly Invitae), Labcorp
Classification: Uncertain significance. Last evaluated: 2024-10-29. Review status: criteria provided, single submitter. Criteria: Invitae Variant Classification Sherloc (09022015). Collection method: clinical testing. Allele origin: germline.
Comment: This sequence change replaces glycine, which is neutral and non-polar, with glutamic acid, which is acidic and polar, at codon 68 of the HOXB13 protein (p.Gly68Glu). This variant is not present in population databases (gnomAD no frequency). This variant has not been reported in the literature in individuals affected with HOXB13-related conditions. ClinVar contains an entry for this variant (Variation ID: 1928216). Invitae Evidence Modeling of protein sequence and biophysical properties (such as structural, functional, and spatial information, amino acid conservation, physicochemical variation, residue mobility, and thermodynamic stability) indicates that this missense variant is not expected to disrupt HOXB13 protein function with a negative predictive value of 80%. In summary, the available evidence is currently insufficient to determine the role of this variant in disease. Therefore, it has been classified as a Variant of Uncertain Significance.

Ambry Genetics
Classification: Uncertain significance for Hereditary cancer-predisposing syndrome. Last evaluated: 2024-07-02. Review status: criteria provided, single submitter. Criteria: Ambry Variant Classification Scheme 2023. Collection method: clinical testing. Allele origin: germline.
Comment: The p.G68E variant (also known as c.203G>A), located in coding exon 1 of the HOXB13 gene, results from a G to A substitution at nucleotide position 203. The glycine at codon 68 is replaced by glutamic acid, an amino acid with similar properties. This amino acid position is conserved. In addition, the in silico prediction for this alteration is inconclusive. Based on the available evidence, the clinical significance of this variant remains unclear.